The following is an entry in ClinVar:

NM_001127222.2(CACNA1A):c.5400+3G>A

Gene: CACNA1A (calcium voltage-gated channel subunit alpha1 A; minus strand). Cytogenetic location: 19p13.13.
Variant type: single nucleotide variant.
Coding change: c.5400+3G>A on transcript NM_001127222.2 (MANE Select); 3 bases into the intron after coding-DNA position 5400, G replaced by A.
Molecular consequence: intron variant.
Genome position (GRCh38, 1-based): chr19:13,231,707, C>T on the plus strand (G>A on the coding strand, the complement: CACNA1A is on the minus strand). VCF-style: chr19-13231707-C-T. GRCh37 (hg19) VCF-style: chr19-13342521-C-T.
Other names: c.5403+3G>A (NM_001127221.2); c.5409+3G>A (NM_001174080.2); c.5418+3G>A (NM_000068.4, NM_023035.3).
Identifiers: ClinVar variation 476265 (VCV000476265.7), dbSNP rs1034627495, ClinGen allele CA305513866.

ClinVar aggregate classification (germline): Uncertain significance (1 of 4 stars; one submission).

Conditions:
Developmental and epileptic encephalopathy, 42 (DEE42A). Also called: DEVELOPMENTAL AND EPILEPTIC ENCEPHALOPATHY 42A; EPILEPTIC ENCEPHALOPATHY, EARLY INFANTILE, 42A; Epileptic encephalopathy, early infantile, 42. Identifiers: MedGen C4310716, MONDO:0014917, OMIM 617106.
Episodic ataxia type 2 (EA2). Also called: ACETAZOLAMIDE-RESPONSIVE HEREDITARY PAROXYSMAL CEREBELLAR ATAXIA; ATAXIA, EPISODIC, WITH NYSTAGMUS; ATAXIA, FAMILIAL PAROXYSMAL; CEREBELLAR ATAXIA, PAROXYSMAL, ACETAZOLAMIDE-RESPONSIVE; CEREBELLOPATHY, HEREDITARY PAROXYSMAL; EPISODIC ATAXIA, NYSTAGMUS-ASSOCIATED. Identifiers: Orphanet 97, MedGen C1720416, MONDO:0007163, OMIM 108500.

Allele frequency attached by ClinVar (database versions not stated): gnomAD exomes below 0.00001; TOPMed 0.00001; gnomAD 0.00003.
gnomAD v4.1: 5 of 1,608,324 alleles (0.00031%); highest among the groups gnomAD compares: African/African-American, 0.0067%; no homozygotes.

Submission:

Labcorp Genetics (formerly Invitae), Labcorp
Classification: Uncertain significance for Developmental and epileptic encephalopathy, 42; Episodic ataxia type 2. Last evaluated: 2024-12-16. Review status: criteria provided, single submitter. Criteria: Invitae Variant Classification Sherloc (09022015). Collection method: clinical testing. Allele origin: germline.
Comment: This sequence change falls in intron 35 of the CACNA1A gene. It does not directly change the encoded amino acid sequence of the CACNA1A protein. It affects a nucleotide within the consensus splice site. The frequency data for this variant in the population databases is considered unreliable, as metrics indicate poor data quality at this position in the gnomAD database. This variant has not been reported in the literature in individuals affected with CACNA1A-related conditions. ClinVar contains an entry for this variant (Variation ID: 476265). Variants that disrupt the consensus splice site are a relatively common cause of aberrant splicing (PMID: 17576681, 9536098). Algorithms developed to predict the effect of sequence changes on RNA splicing suggest that this variant is not likely to affect RNA splicing. In summary, the available evidence is currently insufficient to determine the role of this variant in disease. Therefore, it has been classified as a Variant of Uncertain Significance.

Literature cited by the submitters: PubMed 17576681; PubMed 9536098.